The following is an entry in ClinVar:

ClinVar aggregate classification (germline): Uncertain significance (1 of 4 stars; one submission).

Conditions:
Ectodermal dysplasia and immunodeficiency 2. Identifiers: Orphanet 238468, Orphanet 98813, MedGen C2677481, MONDO:0012806, OMIM 612132.

Submission:

Labcorp Genetics (formerly Invitae), Labcorp
Classification: Uncertain significance for Ectodermal dysplasia and immunodeficiency 2. Last evaluated: 2023-11-20. Review status: criteria provided, single submitter. Criteria: Invitae Variant Classification Sherloc (09022015). Collection method: clinical testing. Allele origin: germline.
Comment: This sequence change replaces asparagine, which is neutral and polar, with lysine, which is basic and polar, at codon 122 of the NFKBIA protein (p.Asn122Lys). This variant is not present in population databases (gnomAD no frequency). This variant has not been reported in the literature in individuals affected with NFKBIA-related conditions. Algorithms developed to predict the effect of missense changes on protein structure and function output the following: SIFT: "Not Available"; PolyPhen-2: "Benign"; Align-GVGD: "Not Available". The lysine amino acid residue is found in multiple mammalian species, which suggests that this missense change does not adversely affect protein function. In summary, the available evidence is currently insufficient to determine the role of this variant in disease. Therefore, it has been classified as a Variant of Uncertain Significance.

NM_020529.3(NFKBIA):c.366C>G (p.Asn122Lys)

Genes: NFKBIA (NFKB inhibitor alpha; minus strand), LOC130055494 (ATAC-STARR-seq lymphoblastoid active region 8276; plus strand). Cytogenetic location: 14q13.2.
Variant type: single nucleotide variant.
Coding change: c.366C>G on transcript NM_020529.3 (MANE Select); coding-DNA position 366, C replaced by G.
Protein change: p.Asn122Lys; replaces asparagine 122 with lysine.
Molecular consequence: missense variant.
Genome position (GRCh38, 1-based): chr14:35,403,331, G>C on the plus strand (C>G on the coding strand, the complement: NFKBIA is on the minus strand). VCF-style: chr14-35403331-G-C. GRCh37 (hg19) VCF-style: chr14-35872537-G-C.
Other names: short protein forms N122K.
Identifiers: ClinVar variation 2751254 (VCV002751254.3), dbSNP rs2502184447, ClinGen allele CA389453716.